The following is an entry in ClinVar:

ClinVar aggregate classification (germline): Uncertain significance (1 of 4 stars; one submission).

Conditions:
Cardiovascular phenotype. Identifiers: MedGen CN230736.

gnomAD v4.1: 3 of 1,614,154 alleles (0.00019%); highest among the groups gnomAD compares: South Asian, 0.0022%; no homozygotes.

Submission:

Ambry Genetics
Classification: Uncertain significance for Cardiovascular phenotype. Last evaluated: 2026-03-21. Review status: criteria provided, single submitter. Criteria: Ambry Variant Classification Scheme 2023. Collection method: clinical testing. Allele origin: germline.
Comment: The p.A572T variant (also known as c.1714G>A), located in coding exon 12 of the TRPM4 gene, results from a G to A substitution at nucleotide position 1714. The alanine at codon 572 is replaced by threonine, an amino acid with similar properties. This amino acid position is conserved. In addition, this alteration is predicted to be tolerated by in silico analysis. Based on the available evidence, the clinical significance of this variant remains unclear.

NM_017636.4(TRPM4):c.1714G>A (p.Ala572Thr)

Gene: TRPM4 (transient receptor potential cation channel subfamily M member 4; plus strand). Cytogenetic location: 19q13.33.
Variant type: single nucleotide variant.
Coding change: c.1714G>A on transcript NM_017636.4 (MANE Select); coding-DNA position 1714, G replaced by A.
Protein change: p.Ala572Thr; replaces alanine 572 with threonine.
Molecular consequence: missense variant.
Genome position (GRCh38, 1-based): chr19:49,183,183, G>A. VCF-style: chr19-49183183-G-A. GRCh37 (hg19) VCF-style: chr19-49686440-G-A.
Other names: c.1714G>A, p.Ala572Thr (NM_001195227.2); c.1369G>A, p.Ala457Thr (NM_001321281.2); c.106G>A, p.Ala36Thr (NM_001321282.2); c.1192G>A, p.Ala398Thr (NM_001321283.2); c.652G>A, p.Ala218Thr (NM_001321285.2); short protein forms A218T, A36T, A398T, A457T, A572T.
Identifiers: ClinVar variation 4865968 (VCV004865968.1).